The following is an entry in ClinVar:

ClinVar aggregate classification (germline): Uncertain significance. Review status: criteria provided, multiple submitters, no conflicts (2 of 4 stars). 3 submissions from 3 submitters: Uncertain significance (3). Last evaluated 2026-08-19.

Conditions:
Hereditary nonpolyposis colorectal neoplasms. Identifiers: MedGen C0009405, MeSH D003123.
Hereditary cancer-predisposing syndrome. Also called: Hereditary Cancer Syndrome; Tumor predisposition; Hereditary neoplastic syndrome; Neoplastic Syndromes, Hereditary. Identifiers: Orphanet 140162, MedGen C0027672, MeSH D009386, MONDO:0015356.
Endometrial carcinoma. Also called: Endometrial carcinoma, somatic. Identifiers: MedGen C0476089, MONDO:0002447, OMIM 608089, HP:0012114.

Allele frequency attached by ClinVar (database versions not stated): TOPMed below 0.00001.

Submissions (3):

Ambry Genetics
Classification: Uncertain significance for Hereditary cancer-predisposing syndrome. Last evaluated: 2026-08-19. Review status: criteria provided, single submitter. Criteria: Ambry Variant Classification Scheme 2023. Collection method: clinical testing. Allele origin: germline.
Comment: The p.D1181H variant (also known as c.3541G>C), located in coding exon 6 of the MSH6 gene, results from a G to C substitution at nucleotide position 3541. The aspartic acid at codon 1181 is replaced by histidine, an amino acid with similar properties. This amino acid position is highly conserved in available vertebrate species. In addition, this alteration is predicted to be deleterious by in silico analysis. Based on the available evidence, the clinical significance of this variant remains unclear.

Labcorp Genetics (formerly Invitae), Labcorp
Classification: Uncertain significance for Hereditary nonpolyposis colorectal neoplasms. Last evaluated: 2025-11-05. Review status: criteria provided, single submitter. Criteria: Invitae Variant Classification Sherloc (09022015). Collection method: clinical testing. Allele origin: germline.
Comment: This sequence change replaces aspartic acid, which is acidic and polar, with histidine, which is basic and polar, at codon 1181 of the MSH6 protein (p.Asp1181His). This variant is not present in population databases (gnomAD no frequency). This variant has not been reported in the literature in individuals affected with MSH6-related conditions. ClinVar contains an entry for this variant (Variation ID: 525610). Invitae Evidence Modeling of protein sequence and biophysical properties (such as structural, functional, and spatial information, amino acid conservation, physicochemical variation, residue mobility, and thermodynamic stability) indicates that this missense variant is expected to disrupt MSH6 protein function with a positive predictive value of 95%. In summary, the available evidence is currently insufficient to determine the role of this variant in disease. Therefore, it has been classified as a Variant of Uncertain Significance.

Baylor Genetics
Classification: Uncertain significance for Endometrial carcinoma. Last evaluated: 2023-10-26. Review status: criteria provided, single submitter. Criteria: ACMG Guidelines, 2015. Collection method: clinical testing. Allele origin: unknown.

NM_000179.3(MSH6):c.3541G>C (p.Asp1181His)

Gene: MSH6 (mutS homolog 6; plus strand). Cytogenetic location: 2p16.3.
Variant type: single nucleotide variant.
Coding change: c.3541G>C on transcript NM_000179.3 (MANE Select); coding-DNA position 3541, G replaced by C.
Protein change: p.Asp1181His; replaces aspartic acid 1181 with histidine.
Molecular consequence: missense variant.
Genome position (GRCh38, 1-based): chr2:47,805,012, G>C. VCF-style: chr2-47805012-G-C. GRCh37 (hg19) VCF-style: chr2-48032151-G-C.
Other names: c.3151G>C, p.Asp1051His (NM_001281492.2); c.2635G>C, p.Asp879His (NM_001281493.2, NM_001281494.2); short protein forms D1181H, D1051H, D879H.
Identifiers: ClinVar variation 525610 (VCV000525610.15), dbSNP rs762406364, ClinGen allele CA346760246.
Genomic context (GRCh38, chr2:47,805,012, plus strand): 5'-CCTGCTGAAGTGTGCAGGCTCACACCAATTGATAGAGTGTTTACTAGACTTGGTGCCTCA[G>C]ACAGAATAATGTCAGGTGAGTTTTTTGTTTCCCACTTAAGTTCTCATTCAGTCATTTAGA-3'
Protein context (NP_000170.1, residues 1171-1191): DRVFTRLGAS[Asp1181His]RIMSGESTFF